The following is an entry in ClinVar:

ClinVar aggregate classification (germline): Uncertain significance (1 of 4 stars; one submission).

Conditions:
Familial cancer of breast. Also called: hereditary breast carcinoma; Hereditary breast cancer; BREAST CANCER, FAMILIAL. Identifiers: Orphanet 227535, MedGen C0346153, MONDO:0016419, OMIM 114480. Disease mechanism: loss of function.

Submission:

Labcorp Genetics (formerly Invitae), Labcorp
Classification: Uncertain significance for Familial cancer of breast. Last evaluated: 2020-02-12. Review status: criteria provided, single submitter. Criteria: Invitae Variant Classification Sherloc (09022015). Collection method: clinical testing. Allele origin: germline.
Comment: In summary, the available evidence is currently insufficient to determine the role of this variant in disease. Therefore, it has been classified as a Variant of Uncertain Significance. Algorithms developed to predict the effect of missense changes on protein structure and function are either unavailable or do not agree on the potential impact of this missense change (SIFT: "Deleterious"; PolyPhen-2: "Probably Damaging"; Align-GVGD: "Class C0"). This variant has not been reported in the literature in individuals with CHEK2-related conditions. This variant is not present in population databases (ExAC no frequency). This sequence change replaces threonine with proline at codon 476 of the CHEK2 protein (p.Thr476Pro). The threonine residue is highly conserved and there is a small physicochemical difference between threonine and proline.

NM_007194.4(CHEK2):c.1426A>C (p.Thr476Pro)

Gene: CHEK2 (checkpoint kinase 2; minus strand). Cytogenetic location: 22q12.1.
Variant type: single nucleotide variant.
Coding change: c.1426A>C on transcript NM_007194.4 (MANE Select); coding-DNA position 1426, A replaced by C.
Protein change: p.Thr476Pro; replaces threonine 476 with proline.
Molecular consequence: missense variant.
Genome position (GRCh38, 1-based): chr22:28,694,067, T>G on the plus strand (A>C on the coding strand, the complement: CHEK2 is on the minus strand). VCF-style: chr22-28694067-T-G. GRCh37 (hg19) VCF-style: chr22-29090055-T-G.
Other names: c.1555A>C, p.Thr519Pro (NM_001005735.3); c.763A>C, p.Thr255Pro (NM_001257387.3); c.1225A>C, p.Thr409Pro (NM_001349956.3); c.1339A>C, p.Thr447Pro (NM_145862.3); short protein forms T447P, T255P, T476P, T519P, T409P.
Identifiers: ClinVar variation 1039460 (VCV001039460.10), dbSNP rs2052468962, ClinGen allele CA411094248.